The following is an entry in ClinVar:

NM_001375524.1(TRRAP):c.9706A>G (p.Thr3236Ala)

Gene: TRRAP (transformation/transcription domain associated protein; plus strand). Cytogenetic location: 7q22.1.
Variant type: single nucleotide variant.
Coding change: c.9706A>G on transcript NM_001375524.1 (MANE Select); coding-DNA position 9706, A replaced by G.
Protein change: p.Thr3236Ala; replaces threonine 3236 with alanine.
Molecular consequence: missense variant.
Genome position (GRCh38, 1-based): chr7:98,990,569, A>G. VCF-style: chr7-98990569-A-G. GRCh37 (hg19) VCF-style: chr7-98588192-A-G.
Other names: c.9631A>G, p.Thr3211Ala (NM_003496.4); c.9718A>G, p.Thr3240Ala (NM_001244580.2); short protein forms T3211A, T3236A, T3240A.
Identifiers: ClinVar variation 2657713 (VCV002657713.24), dbSNP rs2484999086, ClinGen allele CA368326378.

ClinVar aggregate classification (germline): Uncertain significance (1 of 4 stars; one submission).

Submission:

CeGaT Center for Human Genetics Tuebingen
Classification: Uncertain significance. Last evaluated: 2022-08-01. Review status: criteria provided, single submitter. Criteria: CeGaT Center For Human Genetics Tuebingen Variant Classification Criteria Version 2. Collection method: clinical testing. Allele origin: germline. Affected: yes. Observed: 1 variant allele.
Comment: TRRAP: PM2, PP2